The following is an entry in ClinVar:

NM_020800.3(IFT80):c.571A>G (p.Ile191Val)

Genes: IFT80 (intraflagellar transport 80; minus strand), TRIM59-IFT80 (TRIM59-IFT80 readthrough (NMD candidate); minus strand). Cytogenetic location: 3q25.33.
Variant type: single nucleotide variant.
Coding change: c.571A>G on transcript NM_020800.3 (MANE Select); coding-DNA position 571, A replaced by G.
Protein change: p.Ile191Val; replaces isoleucine 191 with valine.
Molecular consequence: missense variant. On other transcripts: non-coding transcript variant (3).
Genome position (GRCh38, 1-based): chr3:160,357,557, T>C on the plus strand (A>G on the coding strand, the complement: IFT80 is on the minus strand). VCF-style: chr3-160357557-T-C. GRCh37 (hg19) VCF-style: chr3-160075345-T-C.
Other names: c.160A>G, p.Ile54Val (NM_001190241.2, NM_001190242.2); short protein forms I191V, I54V.
Identifiers: ClinVar variation 843894 (VCV000843894.9), dbSNP rs376853807, ClinGen allele CA2685434.

ClinVar aggregate classification (germline): Uncertain significance. Review status: criteria provided, multiple submitters, no conflicts (2 of 4 stars). 3 submissions from 3 submitters: Uncertain significance (3). Last evaluated 2025-07-02.

Conditions:
Jeune thoracic dystrophy. Also called: Jeune syndrome; Infantile thoracic dystrophy; Thoracic pelvic phalangeal dystrophy; Jeune's syndrome; Chondroectodermal dysplasia-like syndrome; Short-rib thoracic dysplasia. Identifiers: Orphanet 474, MedGen C0265275, MONDO:0018770.
Asphyxiating thoracic dystrophy 2 (SRTD2). Also called: SHORT-RIB THORACIC DYSPLASIA 2 WITH OR WITHOUT POLYDACTYLY; SHORT-RIB THORACIC DYSPLASIA 2 WITH POLYDACTYLY; SHORT-RIB THORACIC DYSPLASIA 2 WITHOUT POLYDACTYLY. Identifiers: Orphanet 474, MedGen C1970005, MONDO:0012644, OMIM 611263.
Inborn genetic diseases. Identifiers: MedGen C0950123, MeSH D030342.

Allele frequency attached by ClinVar (database versions not stated): ExAC 0.00003; gnomAD 0.00003; gnomAD exomes 0.00004 and 0.00010; TOPMed 0.00004; ESP Exome Variant Server 0.00015.
gnomAD v4.1: 137 of 1,598,198 alleles (0.0086%); highest among the groups gnomAD compares: Non-Finnish European, 0.011%; no homozygotes.

Submissions (3):

Ambry Genetics
Classification: Uncertain significance for Inborn genetic diseases. Last evaluated: 2025-07-02. Review status: criteria provided, single submitter. Criteria: Ambry Variant Classification Scheme 2023. Collection method: clinical testing. Allele origin: germline.

Fulgent Genetics
Classification: Uncertain significance for Asphyxiating thoracic dystrophy 2. Last evaluated: 2024-06-24. Review status: criteria provided, single submitter. Criteria: ACMG Guidelines, 2015. Collection method: clinical testing. Allele origin: germline.

Labcorp Genetics (formerly Invitae), Labcorp
Classification: Uncertain significance for Jeune thoracic dystrophy. Last evaluated: 2022-01-13. Review status: criteria provided, single submitter. Criteria: Invitae Variant Classification Sherloc (09022015). Collection method: clinical testing. Allele origin: germline.
Comment: This sequence change replaces isoleucine, which is neutral and non-polar, with valine, which is neutral and non-polar, at codon 191 of the IFT80 protein (p.Ile191Val). This variant is present in population databases (rs376853807, gnomAD 0.007%). This variant has not been reported in the literature in individuals affected with IFT80-related conditions. ClinVar contains an entry for this variant (Variation ID: 843894). Algorithms developed to predict the effect of missense changes on protein structure and function (SIFT, PolyPhen-2, Align-GVGD) all suggest that this variant is likely to be tolerated. In summary, the available evidence is currently insufficient to determine the role of this variant in disease. Therefore, it has been classified as a Variant of Uncertain Significance.